The following is an entry in ClinVar:

ClinVar aggregate classification (germline): Uncertain significance. Review status: criteria provided, multiple submitters, no conflicts (2 of 4 stars). 2 submissions from 2 submitters: Uncertain significance (2). Last evaluated 2025-09-17.

Conditions:
Hereditary cancer-predisposing syndrome. Also called: Tumor predisposition; Hereditary Cancer Syndrome; Hereditary neoplastic syndrome; Neoplastic Syndromes, Hereditary. Identifiers: Orphanet 140162, MedGen C0027672, MeSH D009386, MONDO:0015356.
Tuberous sclerosis 1 (TSC1). Identifiers: Orphanet 805, MedGen C1854465, MONDO:0008612, OMIM 191100.

Submissions (2):

Ambry Genetics
Classification: Uncertain significance for Hereditary cancer-predisposing syndrome. Last evaluated: 2025-09-17. Review status: criteria provided, single submitter. Criteria: Ambry Variant Classification Scheme 2023. Collection method: clinical testing. Allele origin: germline.
Comment: The p.G378D variant (also known as c.1133G>A), located in coding exon 9 of the TSC1 gene, results from a G to A substitution at nucleotide position 1133. The glycine at codon 378 is replaced by aspartic acid, an amino acid with similar properties. This amino acid position is conserved. In addition, the in silico prediction for this alteration is inconclusive. Since supporting evidence is limited at this time, the clinical significance of this alteration remains unclear.

Labcorp Genetics (formerly Invitae), Labcorp
Classification: Uncertain significance for Tuberous sclerosis 1. Last evaluated: 2022-04-01. Review status: criteria provided, single submitter. Criteria: Invitae Variant Classification Sherloc (09022015). Collection method: clinical testing. Allele origin: germline.
Comment: This variant has not been reported in the literature in individuals affected with TSC1-related conditions. In summary, the available evidence is currently insufficient to determine the role of this variant in disease. Therefore, it has been classified as a Variant of Uncertain Significance. Algorithms developed to predict the effect of missense changes on protein structure and function are either unavailable or do not agree on the potential impact of this missense change (SIFT: "Tolerated"; PolyPhen-2: "Possibly Damaging"; Align-GVGD: "Class C0"). This variant is not present in population databases (gnomAD no frequency). This sequence change replaces glycine, which is neutral and non-polar, with aspartic acid, which is acidic and polar, at codon 378 of the TSC1 protein (p.Gly378Asp).

NM_000368.5(TSC1):c.1133G>A (p.Gly378Asp)

Gene: TSC1 (TSC complex subunit 1; minus strand). Cytogenetic location: 9q34.13.
Variant type: single nucleotide variant.
Coding change: c.1133G>A on transcript NM_000368.5 (MANE Select); coding-DNA position 1133, G replaced by A.
Protein change: p.Gly378Asp; replaces glycine 378 with aspartic acid.
Molecular consequence: missense variant.
Genome position (GRCh38, 1-based): chr9:132,911,010, C>T on the plus strand (G>A on the coding strand, the complement: TSC1 is on the minus strand). VCF-style: chr9-132911010-C-T. GRCh37 (hg19) VCF-style: chr9-135786397-C-T.
Other names: c.1133G>A, p.Gly378Asp (NM_001162426.2, NM_001406592.1, NM_001406593.1 and 16 more transcripts); c.980G>A, p.Gly327Asp (NM_001162427.2, NM_001406610.1, NM_001406611.1 and 2 more transcripts); c.770G>A, p.Gly257Asp (NM_001362177.2, NM_001406614.1, NM_001406625.1 and 10 more transcripts); c.182G>A, p.Gly61Asp (NM_001406626.1, NM_001406627.1, NM_001406628.1); c.83G>A, p.Gly28Asp (NM_001406629.1, NM_001406630.1); short protein forms G378D, G61D, G257D, G327D, G28D.
Identifiers: ClinVar variation 2142431 (VCV002142431.7), dbSNP rs1158970076, ClinGen allele CA375367313.
Genomic context (GRCh38, chr9:132,911,010, plus strand): 5'-ATTAAAGGCAGGCCAAAACCAACTAATCAAATCCAACCTAAGACATACATACCAGTTGTA[C>T]CAAAGACTTTACTGTAAGGGTGTGACAGATCAGGTGGGACATTTCCAGGAGAAGTTGGAG-3'
Protein context (NP_000359.1, residues 368-388): DLSHPYSKVF[Gly378Asp]TTAGGKGTPL